The following is an entry in ClinVar:

ClinVar aggregate classification (germline): Uncertain significance (1 of 4 stars; one submission).

Conditions:
Primary ciliary dyskinesia. Also called: Ciliary dyskinesia. Identifiers: Orphanet 244, MedGen C0008780, MONDO:0016575, HP:0012265.

Submission:

Labcorp Genetics (formerly Invitae), Labcorp
Classification: Uncertain significance for Primary ciliary dyskinesia. Last evaluated: 2022-12-16. Review status: criteria provided, single submitter. Criteria: Invitae Variant Classification Sherloc (09022015). Collection method: clinical testing. Allele origin: germline.
Comment: This sequence change affects codon 495 of the DNAI1 mRNA. It is a 'silent' change, meaning that it does not change the encoded amino acid sequence of the DNAI1 protein. This variant is not present in population databases (gnomAD no frequency). This variant has not been reported in the literature in individuals affected with DNAI1-related conditions. Algorithms developed to predict the effect of sequence changes on RNA splicing suggest that this variant may create or strengthen a splice site. In summary, the available evidence is currently insufficient to determine the role of this variant in disease. Therefore, it has been classified as a Variant of Uncertain Significance.

NM_012144.4(DNAI1):c.1485A>G (p.Pro495=)

Gene: DNAI1 (dynein axonemal intermediate chain 1; plus strand). Cytogenetic location: 9p13.3.
Variant type: single nucleotide variant.
Coding change: c.1485A>G on transcript NM_012144.4 (MANE Select); coding-DNA position 1485, A replaced by G.
Protein change: p.Pro495=; no amino-acid change (proline 495 retained).
Molecular consequence: synonymous variant.
Genome position (GRCh38, 1-based): chr9:34,512,420, A>G. VCF-style: chr9-34512420-A-G. GRCh37 (hg19) VCF-style: chr9-34512418-A-G.
Other names: c.1497A>G, p.Pro499= (NM_001281428.2).
Identifiers: ClinVar variation 2918697 (VCV002918697.3), dbSNP rs2492116813, ClinGen allele CA464398256.